The following is an entry in ClinVar:

ClinVar aggregate classification (germline): Likely pathogenic (1 of 4 stars; one submission).

Conditions:
Autosomal recessive polycystic kidney disease (ARPKD). Also called: AR polycystic kidney disease. Identifiers: Orphanet 731, Orphanet 8378, MedGen C0085548, MeSH D017044, MONDO:0009889.

Submission:

Natera, Inc.
Classification: Likely pathogenic for Autosomal recessive polycystic kidney disease. Last evaluated: 2024-07-03. Review status: criteria provided, single submitter. Criteria: Natera Variant Classification Schema (03/2026). Collection method: clinical testing. Allele origin: germline.
Comment: The c.626delG variant in PKHD1 is a frameshift variant predicted to shift the reading frame beginning at codon 209 and leads to a stop codon 37 codons downstream. This variant is expected to result in nonsense mediated decay, truncation, or a dysfunctional protein product. This variant is rare in the general population with a frequency below the threshold expected for the associated phenotype(s). Given the available evidence, this variant is classified as Likely Pathogenic.

NM_138694.4(PKHD1):c.626del (p.Gly209fs)

Gene: PKHD1 (PKHD1 ciliary IPT domain containing fibrocystin/polyductin; minus strand). Cytogenetic location: 6p12.2.
Variant type: Deletion.
Coding change: c.626del on transcript NM_138694.4 (MANE Select); coding-DNA position 626, one base deleted (G; older notation c.626delG).
Protein change: p.Gly209fs; shifts the reading frame from glycine 209.
Molecular consequence: frameshift variant.
Genome position (GRCh38, 1-based): chr6:52,071,047, C deleted on the plus strand (G on the coding strand, the reverse complement: PKHD1 is on the minus strand); the first of 2 consecutive C bases (chr6:52,071,047-52,071,048); deleting either gives the same sequence. VCF-style (leftmost placement, unchanged base first): chr6-52071046-AC-A. GRCh37 (hg19) VCF-style: chr6-51935844-AC-A.
Other names: c.626del, p.Gly209fs (NM_170724.3); short protein forms G209fs.
Identifiers: ClinVar variation 4816713 (VCV004816713.1).